The following is an entry in ClinVar:

NM_004924.6(ACTN4):c.1750C>T (p.Arg584Cys)

Gene: ACTN4 (actinin alpha 4; plus strand). Cytogenetic location: 19q13.2.
Variant type: single nucleotide variant.
Coding change: c.1750C>T on transcript NM_004924.6 (MANE Select); coding-DNA position 1750, C replaced by T.
Protein change: p.Arg584Cys; replaces arginine 584 with cysteine.
Molecular consequence: missense variant.
Genome position (GRCh38, 1-based): chr19:38,724,214, C>T. VCF-style: chr19-38724214-C-T. GRCh37 (hg19) VCF-style: chr19-39214854-C-T.
Other names: c.1750C>T, p.Arg584Cys (NM_001322033.2); short protein forms R584C.
Identifiers: ClinVar variation 1484870 (VCV001484870.10), dbSNP rs376144793, ClinGen allele CA9417771.

ClinVar aggregate classification (germline): Uncertain significance. Review status: criteria provided, multiple submitters, no conflicts (2 of 4 stars). 2 submissions from 2 submitters: Uncertain significance (2). Last evaluated 2022-07-12.

Conditions:
Focal segmental glomerulosclerosis 1 (FSGS1). Identifiers: Orphanet 656, MedGen C4551527, MONDO:0011303, OMIM 603278.

Allele frequency attached by ClinVar (database versions not stated): ExAC 0.00001; gnomAD exomes 0.00001 and 0.00002; TOPMed 0.00002; gnomAD 0.00004; ESP Exome Variant Server 0.00008.

Submissions (2):

Labcorp Genetics (formerly Invitae), Labcorp
Classification: Uncertain significance. Last evaluated: 2022-07-12. Review status: criteria provided, single submitter. Criteria: Invitae Variant Classification Sherloc (09022015). Collection method: clinical testing. Allele origin: germline.
Comment: In summary, the available evidence is currently insufficient to determine the role of this variant in disease. Therefore, it has been classified as a Variant of Uncertain Significance. Algorithms developed to predict the effect of missense changes on protein structure and function are either unavailable or do not agree on the potential impact of this missense change (SIFT: "Not Available"; PolyPhen-2: "Probably Damaging"; Align-GVGD: "Not Available"). ClinVar contains an entry for this variant (Variation ID: 1484870). This missense change has been observed in individual(s) with clinical features of focal segmental glomerulosclerosis (Invitae). This variant is present in population databases (rs376144793, gnomAD 0.007%). This sequence change replaces arginine, which is basic and polar, with cysteine, which is neutral and slightly polar, at codon 584 of the ACTN4 protein (p.Arg584Cys).

Fulgent Genetics
Classification: Uncertain significance for Focal segmental glomerulosclerosis 1. Last evaluated: 2021-11-24. Review status: criteria provided, single submitter. Criteria: ACMG Guidelines, 2015. Collection method: clinical testing. Allele origin: unknown.